The following is an entry in ClinVar:

NM_018082.6(POLR3B):c.3008A>G (p.Tyr1003Cys)

Genes: POLR3B (RNA polymerase III subunit B; plus strand), RFX4-AS1 (RFX4 antisense RNA 1; minus strand). Cytogenetic location: 12q23.3.
Variant type: single nucleotide variant.
Coding change: c.3008A>G on transcript NM_018082.6 (MANE Select); coding-DNA position 3008, A replaced by G.
Protein change: p.Tyr1003Cys; replaces tyrosine 1003 with cysteine.
Molecular consequence: missense variant.
Genome position (GRCh38, 1-based): chr12:106,501,346, A>G. VCF-style: chr12-106501346-A-G. GRCh37 (hg19) VCF-style: chr12-106895124-A-G.
Other names: NM_018082.6(POLR3B):c.3008A>G; p.Tyr1003Cys; c.2834A>G, p.Tyr945Cys (NM_001160708.2); short protein forms Y1003C, Y945C.
Identifiers: ClinVar variation 1184077 (VCV001184077.7), dbSNP rs368953286, ClinGen allele CA6762384.

ClinVar aggregate classification (germline): Conflicting classifications of pathogenicity. Review status: criteria provided, conflicting classifications (1 of 4 stars). 4 submissions from 4 submitters: Likely pathogenic (1); Uncertain significance (2). 1 of the submissions does not count toward it. Last evaluated 2024-08-14.

Conditions:
Leukodystrophy, hypomyelinating, 8, with or without oligodontia and/or hypogonadotropic hypogonadism. Also called: LEUKODYSTROPHY, HYPOMYELINATING, 8, WITH HYPODONTIA AND HYPOGONADOTROPIC HYPOGONADISM; Hypomyelinating leukodystrophy 8 with or without oligodontia and-or hypogonadotropic hypogonadism; Endosteal sclerosis-cerebellar hypoplasia syndrome. Identifiers: Orphanet 85186, Orphanet 88637, MedGen C3280644, MONDO:0013722, OMIM 614381.
Charcot-Marie-Tooth disease, demyelinating, IIA 1I. Also called: CHARCOT-MARIE-TOOTH NEUROPATHY, TYPE 1I; Charcot-Marie-Tooth disease, demyelinating, type 1I. Identifiers: MedGen C5676914, MONDO:0030677, OMIM 619742.

Allele frequency attached by ClinVar (database versions not stated): gnomAD exomes 0.00003 and 0.00001; gnomAD 0.00004 and 0.00003; ESP Exome Variant Server 0.00008; TOPMed 0.00002; ExAC 0.00003.
gnomAD v4.1: 18 of 1,611,986 alleles (0.0011%); highest among the groups gnomAD compares: South Asian, 0.0055%; no homozygotes.

Submissions (4):

Molecular Genetics and NGS Laboratory, Hospital Fundacion Valle Del Lili
Classification: Likely pathogenic for Charcot-Marie-Tooth disease, demyelinating, IIA 1I. Last evaluated: 2024-08-14. Review status: criteria provided, single submitter. Criteria: ACMG Guidelines, 2015. Collection method: clinical testing. Allele origin: germline. Affected: yes. Observed: 1 variant allele.
Comment: MetaRNN = 0.965 is greater than 0.939: strong pathogenic(PP3). Combined evidence strength is Moderate. Moderate: LOVD classifies this variant as Pathogenic (PP5).GnomAD genomes homozygous allele count = 0. GnomAD exomes homozygous allele count = 0 (PM2).

Neuberg Centre For Genomic Medicine, NCGM
Classification: Uncertain significance for Leukodystrophy, hypomyelinating, 8, with or without oligodontia and/or hypogonadotropic hypogonadism. Last evaluated: 2023-05-20. Review status: criteria provided, single submitter. Criteria: ACMG Guidelines, 2015. Collection method: clinical testing. Allele origin: germline. Inheritance: Autosomal recessive inheritance. Affected: yes.
Comment: The observed missense variant c.3008A>G (p.Tyr1003Cys) in POLR3B gene has been reported previously in homozygous and compound heterozygous state in individuals affected with Leukodystrophy, hypomyelinating, 8, with or without oligodontia and/or hypogonadotropic hypogonadism (Gutierrez M et al. 2015). The p.Tyr1003Cys variant has allele frequency 0.003% in gnomAD Exomes. This variant has been submitted to the ClinVar database Uncertain Significance. Multiple lines of computational evidence (Polyphen - Benign, SIFT - Damaging and Mutation Taster - Disease causing) predicts conflicting evidence on protein structure and function for this variant. The amino acid change p.Tyr1003Cys in POLR3B is predicted as conserved by GERP++ and PhyloP across 100 vertebrates. The amino acid Tyr at position 1003 is changed to a Cys changing protein sequence and it might alter its composition and physico-chemical properties. For these reasons, this variant has been classified as Variant of Uncertain Significance (VUS). In the absence of another reportable variant in POLR3B gene, the molecular diagnosis is not confirmed.

Broad Center for Mendelian Genomics, Broad Institute of MIT and Harvard
Classification: Uncertain significance for Leukodystrophy, hypomyelinating, 8, with or without oligodontia and/or hypogonadotropic hypogonadism. Last evaluated: 2022-02-28. Review status: criteria provided, single submitter. Criteria: ACMG Guidelines, 2015. Collection method: curation. Allele origin: germline. Inheritance: Autosomal recessive inheritance.
Comment: The p.Tyr1003Cys variant in POLR3B has been reported in 1 individual in the compound heterozygous state with 4H leukodystrophy (PMID: 26045207) and has been identified in 0.01% (4/30616) of South Asian chromosomes by the Genome Aggregation Database (gnomAD; dbSNP ID: rs368953286). Although this variant has been seen in the general population in a heterozygous state, its frequency is not high enough to rule out a pathogenic role. This variant has also been reported in ClinVar (Variation ID#: 1184077) and has been interpreted as pathogenic by GeneReviews. Computational prediction tools and conservation analyses suggest that this variant may impact the protein, though this information is not predictive enough to determine pathogenicity. The number of missense variants reported in POLR3B in the general population is lower than expected, suggesting there is little benign variation in this gene and slightly increasing the possibility that a missense variant in this gene may not be tolerated. In summary, the clinical significance of the p.Tyr1003Cys variant is uncertain. ACMG/AMP Criteria applied: PP3, PP2 (Richards 2015).

GeneReviews
No classification provided. Condition: Leukodystrophy, hypomyelinating, 8, with or without oligodontia and/or hypogonadotropic hypogonadism. Review status: no classification provided. Collection method: literature only. Allele origin: germline. Not counted in ClinVar's aggregate classification.

Literature cited by the submitters: PubMed 25339210 (cited by GeneReviews); PubMed 26045207 (cited by GeneReviews); PubMed 22855961 (cited by GeneReviews).